The following is an entry in ClinVar:

ClinVar aggregate classification (germline): Likely pathogenic (1 of 4 stars; one submission).

Conditions:
Weiss-Kruszka syndrome. Also called: Metopic ridging-ptosis-facial dysmorphism syndrome. Identifiers: Orphanet 502430, MedGen C5568107, MONDO:0032836, OMIM 618619.

gnomAD v4.1: 1 of 1,614,128 alleles (0.000062%); highest among the groups gnomAD compares: Non-Finnish European, 0.000085%; no homozygotes.

Submission:

Broad Center for Mendelian Genomics, Broad Institute of MIT and Harvard
Classification: Likely pathogenic for Weiss-Kruszka syndrome. Last evaluated: 2024-03-12. Review status: criteria provided, single submitter. Criteria: ACMG Guidelines, 2015. Collection method: curation. Allele origin: germline. Inheritance: Autosomal dominant inheritance.
Comment: The p.Tyr1704Ter variant in ZNF462 has not been previously reported in individuals with congenital fibrosis of extraocular muscles. This variant is absent from large population studies. This nonsense variant leads to a premature termination codon at position 1704, which is predicted to lead to a truncated or absent protein. Heterozygous loss of function of the ZNF462 gene is an established disease mechanism in Weiss-Kruszka syndrome. In summary, although additional studies are required to fully establish its clinical significance, this variant is likely pathogenic for autosomal dominant Weiss-Kruszka syndrome. ACMG/AMP Criteria applied: PM2_supporting, PVS1 (Richards 2015).

Literature cited by the submitters: PubMed 39033378.

NM_021224.6(ZNF462):c.5112C>A (p.Tyr1704Ter)

Gene: ZNF462 (zinc finger protein 462; plus strand). Cytogenetic location: 9q31.2.
Variant type: single nucleotide variant.
Coding change: c.5112C>A on transcript NM_021224.6 (MANE Select); coding-DNA position 5112, C replaced by A.
Protein change: p.Tyr1704Ter; replaces tyrosine 1704 with a stop codon.
Molecular consequence: nonsense. On other transcripts: intron variant (1).
Genome position (GRCh38, 1-based): chr9:106,929,024, C>A. VCF-style: chr9-106929024-C-A. GRCh37 (hg19) VCF-style: chr9-109691305-C-A.
Other names: NM_001347997.2:c.3253-1501C>A; c.3253-1501C>A (NM_001347997.2); short protein forms Y1704*.
Identifiers: ClinVar variation 3061825 (VCV003061825.1), dbSNP rs762218427, ClinGen allele CA374413636.